The following is an entry in ClinVar:

NM_024580.6(EFL1):c.2701A>G (p.Lys901Glu)

Gene: EFL1 (elongation factor like GTPase 1; minus strand). Cytogenetic location: 15q25.2.
Variant type: single nucleotide variant.
Coding change: c.2701A>G on transcript NM_024580.6 (MANE Select); coding-DNA position 2701, A replaced by G.
Protein change: p.Lys901Glu; replaces lysine 901 with glutamic acid.
Molecular consequence: missense variant. On other transcripts: non-coding transcript variant (1).
Genome position (GRCh38, 1-based): chr15:82,151,753, T>C on the plus strand (A>G on the coding strand, the complement: EFL1 is on the minus strand). VCF-style: chr15-82151753-T-C. GRCh37 (hg19) VCF-style: chr15-82444094-T-C.
Other names: c.2548A>G, p.Lys850Glu (NM_001040610.3); c.1912A>G, p.Lys638Glu (NM_001322844.2); c.2701A>G, p.Lys901Glu (NM_001322845.2); short protein forms K638E, K850E, K901E.
Identifiers: ClinVar variation 1493032 (VCV001493032.5), dbSNP rs1406463094, ClinGen allele CA393286858.

ClinVar aggregate classification (germline): Uncertain significance (1 of 4 stars; one submission).

Allele frequency attached by ClinVar (database versions not stated): TOPMed 0.00002; gnomAD exomes 0.00001.
gnomAD v4.1: 11 of 1,614,128 alleles (0.00068%); highest among the groups gnomAD compares: Admixed American, 0.0017%; no homozygotes.

Submission:

Labcorp Genetics (formerly Invitae), Labcorp
Classification: Uncertain significance. Last evaluated: 2021-09-24. Review status: criteria provided, single submitter. Criteria: Invitae Variant Classification Sherloc (09022015). Collection method: clinical testing. Allele origin: germline.
Comment: This sequence change replaces lysine with glutamic acid at codon 901 of the EFL1 protein (p.Lys901Glu). The lysine residue is moderately conserved and there is a small physicochemical difference between lysine and glutamic acid. This variant is not present in population databases (ExAC no frequency). This variant has not been reported in the literature in individuals with EFL1-related conditions. Algorithms developed to predict the effect of missense changes on protein structure and function output the following: SIFT: "Tolerated"; PolyPhen-2: "Not Available"; Align-GVGD: "Class C0". The glutamic acid amino acid residue is found in multiple mammalian species, suggesting that this missense change does not adversely affect protein function. These predictions have not been confirmed by published functional studies and their clinical significance is uncertain. In summary, the available evidence is currently insufficient to determine the role of this variant in disease. Therefore, it has been classified as a Variant of Uncertain Significance.